The following is an entry in ClinVar:

NM_001080467.3(MYO5B):c.2185C>G (p.Leu729Val)

Gene: MYO5B (myosin VB; minus strand). Cytogenetic location: 18q21.1.
Variant type: single nucleotide variant.
Coding change: c.2185C>G on transcript NM_001080467.3 (MANE Select); coding-DNA position 2185, C replaced by G.
Protein change: p.Leu729Val; replaces leucine 729 with valine.
Molecular consequence: missense variant.
Genome position (GRCh38, 1-based): chr18:49,912,079, G>C on the plus strand (C>G on the coding strand, the complement: MYO5B is on the minus strand). VCF-style: chr18-49912079-G-C. GRCh37 (hg19) VCF-style: chr18-47438449-G-C.
Other names: c.2185C>G (NM_001080467.2); short protein forms L729V.
Identifiers: ClinVar variation 1378306 (VCV001378306.5), dbSNP rs201693565, ClinGen allele CA8961190.

ClinVar aggregate classification (germline): Uncertain significance. Review status: criteria provided, multiple submitters, no conflicts (2 of 4 stars). 2 submissions from 2 submitters: Uncertain significance (2). Last evaluated 2026-02-18.

Conditions:
MYO5B-related disorder. Also called: MYO5B-related condition.

Allele frequency attached by ClinVar (database versions not stated): gnomAD exomes below 0.00001 and 0.00002; ExAC 0.00002; gnomAD 0.00011 and 0.00013; TOPMed 0.00022; 1000 Genomes Project 0.00060; 1000 Genomes Project 30x 0.00062.
gnomAD v4.1: 30 of 1,614,116 alleles (0.0019%); highest among the groups gnomAD compares: Admixed American, 0.037%; no homozygotes.

Submissions (2):

PreventionGenetics, part of Exact Sciences
Classification: Uncertain significance for MYO5B-related condition. Last evaluated: 2026-02-18. Review status: criteria provided, single submitter. Criteria: ACMG Guidelines, 2015. Collection method: clinical testing. Allele origin: germline.
Comment: The MYO5B c.2185C>G variant is predicted to result in the amino acid substitution p.Leu729Val. To our knowledge, this variant has not been reported in the literature. This variant is reported in 0.017% of alleles in individuals of Latino descent in gnomAD. At this time, the clinical significance of this variant is uncertain due to the absence of conclusive functional and genetic evidence.

Labcorp Genetics (formerly Invitae), Labcorp
Classification: Uncertain significance. Last evaluated: 2023-08-28. Review status: criteria provided, single submitter. Criteria: Invitae Variant Classification Sherloc (09022015). Collection method: clinical testing. Allele origin: germline.
Comment: This variant has not been reported in the literature in individuals affected with MYO5B-related conditions. This variant is present in population databases (rs201693565, gnomAD 0.004%). This sequence change replaces leucine, which is neutral and non-polar, with valine, which is neutral and non-polar, at codon 729 of the MYO5B protein (p.Leu729Val). ClinVar contains an entry for this variant (Variation ID: 1378306). Advanced modeling of protein sequence and biophysical properties (such as structural, functional, and spatial information, amino acid conservation, physicochemical variation, residue mobility, and thermodynamic stability) performed at Invitae indicates that this missense variant is not expected to disrupt MYO5B protein function. In summary, the available evidence is currently insufficient to determine the role of this variant in disease. Therefore, it has been classified as a Variant of Uncertain Significance.